The following is an entry in ClinVar:

ClinVar aggregate classification (germline): Uncertain significance. Review status: criteria provided, multiple submitters, no conflicts (2 of 4 stars). 2 submissions from 2 submitters: Uncertain significance (2). Last evaluated 2025-10-24.

Conditions:
Cardiomyopathy (CMYO). Also called: Cardiomyopathies. Identifiers: Orphanet 167848, MedGen C0878544, MONDO:0004994, HP:0001638. Inheritance: Various modes of inheritance.
Hypertrophic cardiomyopathy. Also called: HYPERTROPHIC MYOCARDIOPATHY. Identifiers: Orphanet 217569, MedGen C0007194, MeSH D002312, MONDO:0005045, HP:0001639.

Allele frequency attached by ClinVar (database versions not stated): TOPMed 0.00001.

Submissions (2):

Labcorp Genetics (formerly Invitae), Labcorp
Classification: Uncertain significance for Hypertrophic cardiomyopathy. Last evaluated: 2025-10-24. Review status: criteria provided, single submitter. Criteria: Invitae Variant Classification Sherloc (09022015). Collection method: clinical testing. Allele origin: germline.
Comment: This sequence change replaces arginine, which is basic and polar, with serine, which is neutral and polar, at codon 103 of the TNNI3 protein (p.Arg103Ser). This variant is not present in population databases (gnomAD no frequency). This variant has not been reported in the literature in individuals affected with TNNI3-related conditions. ClinVar contains an entry for this variant (Variation ID: 924790). An algorithm developed to predict the effect of missense changes on protein structure and function (PolyPhen-2) suggests that this variant is likely to be tolerated. In summary, the available evidence is currently insufficient to determine the role of this variant in disease. Therefore, it has been classified as a Variant of Uncertain Significance.

Color Diagnostics, LLC DBA Color Health
Classification: Uncertain significance for Cardiomyopathy. Last evaluated: 2023-12-05. Review status: criteria provided, single submitter. Criteria: ACMG Guidelines, 2015. Collection method: clinical testing. Allele origin: germline.
Comment: This missense variant replaces arginine with serine at codon 103 of the TNNI3 protein. Computational prediction tools and conservation analyses are inconclusive regarding the impact of this variant on the protein function. Computational splicing tools suggest that this variant may not impact RNA splicing. To our knowledge, functional assays have not been performed for this variant nor has this variant been reported in individuals affected with cardiovascular disorders in the literature. This variant has not been identified in the general population by the Genome Aggregation Database (gnomAD). Available evidence is insufficient to determine the role of this variant in disease conclusively. Therefore, this variant is classified as a Variant of Uncertain Significance.

NM_000363.5(TNNI3):c.307C>A (p.Arg103Ser)

Gene: TNNI3 (troponin I3, cardiac type; minus strand). Cytogenetic location: 19q13.42.
Variant type: single nucleotide variant.
Coding change: c.307C>A on transcript NM_000363.5 (MANE Select); coding-DNA position 307, C replaced by A.
Protein change: p.Arg103Ser; replaces arginine 103 with serine.
Molecular consequence: missense variant.
Genome position (GRCh38, 1-based): chr19:55,154,806, G>T on the plus strand (C>A on the coding strand, the complement: TNNI3 is on the minus strand). VCF-style: chr19-55154806-G-T. GRCh37 (hg19) VCF-style: chr19-55666174-G-T.
Other names: short protein forms R103S.
Identifiers: ClinVar variation 924790 (VCV000924790.6), dbSNP rs397516344, ClinGen allele CA407441130.